The following is an entry in ClinVar:

NM_000088.4(COL1A1):c.2155G>T (p.Gly719Cys)

Gene: COL1A1 (collagen type I alpha 1 chain; minus strand). Cytogenetic location: 17q21.33.
Variant type: single nucleotide variant.
Coding change: c.2155G>T on transcript NM_000088.4 (MANE Select); coding-DNA position 2155, G replaced by T.
Protein change: p.Gly719Cys; replaces glycine 719 with cysteine.
Molecular consequence: missense variant.
Genome position (GRCh38, 1-based): chr17:50,191,463, C>A on the plus strand (G>T on the coding strand, the complement: COL1A1 is on the minus strand). VCF-style: chr17-50191463-C-A. GRCh37 (hg19) VCF-style: chr17-48268824-C-A.
Other names: short protein forms G719C.
Identifiers: ClinVar variation 845682 (VCV000845682.11), dbSNP rs72651645, ClinGen allele CA400211335.

ClinVar aggregate classification (germline): Pathogenic. Review status: criteria provided, multiple submitters, no conflicts (2 of 4 stars). 2 submissions from 2 submitters: Pathogenic (2). Last evaluated 2024-11-13.

Conditions:
COL1A1-related disorder. Also called: COL1A1-related condition; COL1A1- related disease.
Osteogenesis imperfecta type I (OI1). Also called: OI, TYPE I; OSTEOGENESIS IMPERFECTA TARDA; OSTEOGENESIS IMPERFECTA WITH BLUE SCLERAE; Osteogenesis imperfecta type 1; Lobstein's Disease; Lobstein disease. Identifiers: Orphanet 216796, Orphanet 666, MedGen C0023931, MONDO:0008146, OMIM 166200. Disease mechanism: loss of function.

Submissions (2):

PreventionGenetics, part of Exact Sciences
Classification: Pathogenic for COL1A1-related condition. Last evaluated: 2024-11-13. Review status: criteria provided, single submitter. Criteria: ACMG Guidelines, 2015. Collection method: clinical testing. Allele origin: germline.
Comment: The COL1A1 c.2155G>T variant is predicted to result in the amino acid substitution p.Gly719Cys. This variant has been reported in an individual with osteogenesis imperfecta (Fernandes et al. 2020. PubMed ID: 32123938). This variant has not been reported in a large population database (gnomAD), indicating this variant is rare. Different variants affecting the same amino acid (p.Gly719Ser, p.Gly719Arg, and p.Gly719Asp) have been reported in individuals with osteogenesis imperfecta (Table S1, Bardai et al. 2016. PubMed ID: 27509835; Shi et al. 2019. PubMed ID: 31680973; and reported as p.Gly541Asp, Zhuang et al. 1991. PubMed ID: 2035536). This variant is located in the conserved Gly-Xaa-Yaa triple helical domain where substitutions of a glycine are usually pathogenic (Residues 179-1192; Symoens et al. 2014. PubMed ID: 25146735). This variant is interpreted as pathogenic.

Labcorp Genetics (formerly Invitae), Labcorp
Classification: Pathogenic for Osteogenesis imperfecta type I. Last evaluated: 2024-09-16. Review status: criteria provided, single submitter. Criteria: Invitae Variant Classification Sherloc (09022015). Collection method: clinical testing. Allele origin: germline.
Comment: This sequence change replaces glycine, which is neutral and non-polar, with cysteine, which is neutral and slightly polar, at codon 719 of the COL1A1 protein (p.Gly719Cys). This variant is not present in population databases (gnomAD no frequency). This variant has not been reported in the literature in individuals affected with COL1A1-related conditions. ClinVar contains an entry for this variant (Variation ID: 845682). Invitae Evidence Modeling of protein sequence and biophysical properties (such as structural, functional, and spatial information, amino acid conservation, physicochemical variation, residue mobility, and thermodynamic stability) indicates that this missense variant is expected to disrupt COL1A1 protein function with a positive predictive value of 95%. This variant disrupts the triple helix domain of COL1A1. Glycine residues within the Gly-Xaa-Yaa repeats of the triple helix domain are required for the structure and stability of fibrillar collagens (PMID: 7695699, 8218237, 19344236). In COL1A1, variants affecting these glycine residues are significantly enriched in individuals with disease (PMID: 9016532, 17078022) compared to the general population (ExAC). This variant disrupts the p.Gly719 amino acid residue in COL1A1. Other variant(s) that disrupt this residue have been observed in individuals with COL1A1-related conditions (PMID: 2035536, 7691343, 27509835), which suggests that this may be a clinically significant amino acid residue. For these reasons, this variant has been classified as Pathogenic.

Literature cited by the submitters: PubMed 7695699 (cited by Labcorp Genetics (formerly Invitae), Labcorp); PubMed 8218237 (cited by Labcorp Genetics (formerly Invitae), Labcorp); PubMed 19344236 (cited by Labcorp Genetics (formerly Invitae), Labcorp); PubMed 9016532 (cited by Labcorp Genetics (formerly Invitae), Labcorp); PubMed 17078022 (cited by Labcorp Genetics (formerly Invitae), Labcorp); PubMed 2035536 (cited by Labcorp Genetics (formerly Invitae), Labcorp); PubMed 7691343 (cited by Labcorp Genetics (formerly Invitae), Labcorp); PubMed 27509835 (cited by Labcorp Genetics (formerly Invitae), Labcorp).